The following is an entry in ClinVar:

NM_000234.3(LIG1):c.1351C>T (p.Arg451Cys)

Gene: LIG1 (DNA ligase 1; minus strand). Cytogenetic location: 19q13.33.
Variant type: single nucleotide variant.
Coding change: c.1351C>T on transcript NM_000234.3 (MANE Select); coding-DNA position 1351, C replaced by T.
Protein change: p.Arg451Cys; replaces arginine 451 with cysteine.
Molecular consequence: missense variant. On other transcripts: non-coding transcript variant (6).
Genome position (GRCh38, 1-based): chr19:48,136,106, G>A on the plus strand (C>T on the coding strand, the complement: LIG1 is on the minus strand). VCF-style: chr19-48136106-G-A. GRCh37 (hg19) VCF-style: chr19-48639363-G-A.
Other names: c.1258C>T, p.Arg420Cys (NM_001289063.2); c.1147C>T, p.Arg383Cys (NM_001289064.2); c.1348C>T, p.Arg450Cys (NM_001320970.2); c.1261C>T, p.Arg421Cys (NM_001320971.2); short protein forms R420C, R451C, R450C, R383C, R421C.
Identifiers: ClinVar variation 1366031 (VCV001366031.4), dbSNP rs746537204, ClinGen allele CA9546840.
Genomic context (GRCh38, chr19:48,136,106, plus strand): 5'-GCGTGAGGCTCACTGCCTGGGAGAGGGCAGCCAGCACCGACTGCTCTGCCAGCCCAAGGC[G>A]CAGCCGTCCGCTCAGGGACCTGGGGAGAGAGCAGGCCAGGGAAGGGGGCTTGTCTGCACC-3'
Protein context (NP_000225.1, residues 441-461): FIARSLSGRL[Arg451Cys]LGLAEQSVLA

ClinVar aggregate classification (germline): Uncertain significance (1 of 4 stars; one submission).

Allele frequency attached by ClinVar (database versions not stated): gnomAD exomes 0.00001; TOPMed 0.00002; gnomAD 0.00003; ExAC 0.00005.
gnomAD v4.1: 25 of 1,569,568 alleles (0.0016%); highest among the groups gnomAD compares: African/African-American, 0.0027%; no homozygotes.

Submission:

Labcorp Genetics (formerly Invitae), Labcorp
Classification: Uncertain significance. Last evaluated: 2021-09-24. Review status: criteria provided, single submitter. Criteria: Invitae Variant Classification Sherloc (09022015). Collection method: clinical testing. Allele origin: germline.
Comment: In summary, the available evidence is currently insufficient to determine the role of this variant in disease. Therefore, it has been classified as a Variant of Uncertain Significance. Algorithms developed to predict the effect of missense changes on protein structure and function (SIFT, PolyPhen-2, Align-GVGD) all suggest that this variant is likely to be disruptive. This variant has not been reported in the literature in individuals affected with LIG1-related conditions. This variant is present in population databases (rs746537204, ExAC 0.01%). This sequence change replaces arginine with cysteine at codon 451 of the LIG1 protein (p.Arg451Cys). The arginine residue is highly conserved and there is a large physicochemical difference between arginine and cysteine.